The following is an entry in ClinVar:

ClinVar aggregate classification (germline): Pathogenic. Review status: criteria provided, multiple submitters, no conflicts (2 of 4 stars). 2 submissions from 2 submitters: Pathogenic (2). Last evaluated 2025-05-13.

Conditions:
Telangiectasia, hereditary hemorrhagic, type 2 (HHT2). Also called: ACVRL1-Related Hereditary Hemorrhagic Telangiectasia; Telangiectasia, hereditary hemorrhagic, type II. Identifiers: Orphanet 774, MedGen C1838163, MONDO:0010880, OMIM 600376. Disease mechanism: loss of function.

Submissions (2):

Labcorp Genetics (formerly Invitae), Labcorp
Classification: Pathogenic for Telangiectasia, hereditary hemorrhagic, type 2. Last evaluated: 2025-05-13. Review status: criteria provided, single submitter. Criteria: Invitae Variant Classification Sherloc (09022015). Collection method: clinical testing. Allele origin: germline.
Comment: This sequence change creates a premature translational stop signal (p.Thr450Hisfs*4) in the ACVRL1 gene. While this is not anticipated to result in nonsense mediated decay, it is expected to disrupt the last 54 amino acid(s) of the ACVRL1 protein. This variant is not present in population databases (gnomAD no frequency). This variant has not been reported in the literature in individuals affected with ACVRL1-related conditions. ClinVar contains an entry for this variant (Variation ID: 2683669). This variant disrupts a region of the ACVRL1 protein in which other variant(s) (p.Gln490*) have been determined to be pathogenic (PMID: 11484689, 16429404, 24603890). This suggests that this is a clinically significant region of the protein, and that variants that disrupt it are likely to be disease-causing. For these reasons, this variant has been classified as Pathogenic.

Mayo Clinic Laboratories, Mayo Clinic
Classification: Pathogenic. Last evaluated: 2023-06-15. Review status: criteria provided, single submitter. Criteria: ACMG Guidelines, 2015. Collection method: clinical testing. Allele origin: germline. Observed: 1 variant allele.
Comment: PP4, PM2_supporting, PVS1

Literature cited by the submitters: PubMed 11484689 (cited by Labcorp Genetics (formerly Invitae), Labcorp); PubMed 16429404 (cited by Labcorp Genetics (formerly Invitae), Labcorp); PubMed 24603890 (cited by Labcorp Genetics (formerly Invitae), Labcorp).

NM_000020.3(ACVRL1):c.1347dup (p.Thr450fs)

Gene: ACVRL1 (activin A receptor like type 1; plus strand). Cytogenetic location: 12q13.13.
Variant type: Duplication.
Coding change: c.1347dup on transcript NM_000020.3 (MANE Select); coding-DNA position 1347, one base duplicated (C; older notation c.1347dupC).
Protein change: p.Thr450fs; shifts the reading frame from threonine 450.
Molecular consequence: frameshift variant.
Genome position (GRCh38, 1-based): chr12:51,919,085, C duplicated; the last of 5 consecutive C bases (chr12:51,919,081-51,919,085); duplicating any one gives the same sequence. VCF-style (leftmost placement, unchanged base first): chr12-51919080-A-AC. GRCh37 (hg19) VCF-style: chr12-52312864-A-AC.
Other names: p.Thr450Hisfs*4; c.1347dup, p.Thr450fs (NM_001077401.2, NM_001406487.1, NM_001406488.1 and 1 more transcripts); c.1191dup, p.Thr398fs (NM_001406490.1); c.1035dup, p.Thr346fs (NM_001406491.1, NM_001406492.1, NM_001406493.1); c.837dup, p.Thr280fs (NM_001406494.1); c.783dup, p.Thr262fs (NM_001406495.1); short protein forms T262fs, T280fs, T346fs, T398fs, T450fs.
Identifiers: ClinVar variation 2683669 (VCV002683669.4), dbSNP rs1940908396, ClinGen allele CA2036239885.
Genomic context (GRCh38, chr12:51,919,080, plus strand): 5'-GTGGTGCCCAATGACCCCAGCTTTGAGGACATGAAGAAGGTGGTGTGTGTGGATCAGCAG[A>AC]CCCCCACCATCCCTAACCGGCTGGCTGCAGACCCGGTGAGGCCTCTGCTGGGACTAGGAT-3'